The following is an entry in ClinVar:

NM_024675.4(PALB2):c.2091C>G (p.Gly697=)

Gene: PALB2 (partner and localizer of BRCA2; minus strand). Cytogenetic location: 16p12.2.
Variant type: single nucleotide variant.
Coding change: c.2091C>G on transcript NM_024675.4 (MANE Select); coding-DNA position 2091, C replaced by G.
Protein change: p.Gly697=; no amino-acid change (glycine 697 retained).
Molecular consequence: synonymous variant.
Genome position (GRCh38, 1-based): chr16:23,630,063, G>C on the plus strand (C>G on the coding strand, the complement: PALB2 is on the minus strand). VCF-style: chr16-23630063-G-C. GRCh37 (hg19) VCF-style: chr16-23641384-G-C.
Identifiers: ClinVar variation 830156 (VCV000830156.2), dbSNP rs875989797, ClinGen allele CA494461211.
Genomic context (GRCh38, chr16:23,630,063, plus strand): 5'-GTCATTATCATCAGGCGCAACCGTATTTAAAGGAGTATAAAGTAATATGGATGAAGAAAG[G>C]CCCGTCTTTGTATGCTGGCTTTGCGAGTTTGGCCTTTTGGGATGTGATTTTCCTGGTAGA-3'
Protein context (NP_078951.2, residues 687-707): PNSQSQHTKT[Gly697=]LSSSILLYTP

ClinVar aggregate classification (germline): Uncertain significance (0 of 4 stars; one submission).

Conditions:
Familial cancer of breast. Also called: BREAST CANCER, FAMILIAL; Hereditary breast cancer; hereditary breast carcinoma. Identifiers: Orphanet 227535, MedGen C0346153, MONDO:0016419, OMIM 114480. Disease mechanism: loss of function.

Submission:

Leiden Open Variation Database
Classification: Uncertain significance for Familial cancer of breast. Last evaluated: 2019-05-13. Review status: no assertion criteria provided. Collection method: curation. Allele origin: germline. Affected: yes.
Comment: Curators: Marc Tischkowitz, Arleen D. Auerbach. Submitter to LOVD: Marc Tischkowitz.

Literature cited by the submitters: PubMed 24556926.